The following is an entry in ClinVar:

NM_015021.3(ZNF292):c.8132A>G (p.Asp2711Gly)

Gene: ZNF292 (zinc finger protein 292; plus strand). Cytogenetic location: 6q14.3.
Variant type: single nucleotide variant.
Coding change: c.8132A>G on transcript NM_015021.3 (MANE Select); coding-DNA position 8132, A replaced by G.
Protein change: p.Asp2711Gly; replaces aspartic acid 2711 with glycine.
Molecular consequence: missense variant.
Genome position (GRCh38, 1-based): chr6:87,261,761, A>G. VCF-style: chr6-87261761-A-G. GRCh37 (hg19) VCF-style: chr6-87971479-A-G.
Other names: c.7712A>G, p.Asp2571Gly (NM_001351444.2); short protein forms D2571G, D2711G.
Identifiers: ClinVar variation 3042437 (VCV003042437.6), dbSNP rs569467992, ClinGen allele CA3914919.

ClinVar aggregate classification (germline): Likely benign. Review status: criteria provided, single submitter (1 of 4 stars). 2 submissions from 2 submitters: Likely benign (1). 1 of the submissions does not count toward it. Last evaluated 2026-03-01.

Conditions:
ZNF292-related disorder. Also called: ZNF292-related condition.

Allele frequency attached by ClinVar (database versions not stated): TOPMed 0.00004; gnomAD 0.00016; 1000 Genomes Project 30x 0.00047; 1000 Genomes Project 0.00060; ExAC 0.00070.
gnomAD v4.1: 494 of 1,612,826 alleles (0.031%); highest among the groups gnomAD compares: South Asian, 0.51%; 7 homozygotes.

Submissions (2):

CeGaT Center for Human Genetics Tuebingen
Classification: Likely benign. Last evaluated: 2026-03-01. Review status: criteria provided, single submitter. Criteria: CeGaT Center For Human Genetics Tuebingen Variant Classification Criteria Version 2. Collection method: clinical testing. Allele origin: germline. Affected: yes. Observed: 1 variant allele.
Comment: ZNF292: BP4, BS1

PreventionGenetics, part of Exact Sciences
Classification: Benign for ZNF292-related condition. Last evaluated: 2022-03-09. Review status: no assertion criteria provided. Collection method: clinical testing. Allele origin: germline. Not counted in ClinVar's aggregate classification.
Comment: This variant is classified as benign based on ACMG/AMP sequence variant interpretation guidelines (Richards et al. 2015 PMID: 25741868, with internal and published modifications).